The following is an entry in ClinVar:

NM_004586.3(RPS6KA3):c.1275A>G (p.Lys425=)

Gene: RPS6KA3 (ribosomal protein S6 kinase A3; minus strand). Cytogenetic location: Xp22.12.
Variant type: single nucleotide variant.
Coding change: c.1275A>G on transcript NM_004586.3 (MANE Select); coding-DNA position 1275, A replaced by G.
Protein change: p.Lys425=; no amino-acid change (lysine 425 retained).
Molecular consequence: synonymous variant.
Genome position (GRCh38, 1-based): chrX:20,172,824, T>C on the plus strand (A>G on the coding strand, the complement: RPS6KA3 is on the minus strand). VCF-style: chrX-20172824-T-C. GRCh37 (hg19) VCF-style: chrX-20190942-T-C.
Identifiers: ClinVar variation 3354788 (VCV003354788.1).
Genomic context (GRCh38, chrX:20,172,824, plus strand): 5'-GTTTGTAGCTTTATGTATACATCTCTTGCAAACAGAGTAGGAGCCAACTCCAATATCTTC[T>C]TTTACTTCATATCCATCAGTAAACTGAATACTGTTCCTGTGTAACTGCTACAAAAAATTA-3'
Protein context (NP_004577.1, residues 415-435): SIQFTDGYEV[Lys425=]EDIGVGSYSV

ClinVar aggregate classification (germline): Likely benign (0 of 4 stars; one submission).

Conditions:
RPS6KA3-related disorder. Also called: RPS6KA3-related condition.

gnomAD v4.1: 7 of 1,195,720 alleles (0.00059%); highest among the groups gnomAD compares: African/African-American, 0.0018%; no homozygotes.

Submission:

PreventionGenetics, part of Exact Sciences
Classification: Likely benign for RPS6KA3-related condition. Last evaluated: 2022-01-25. Review status: no assertion criteria provided. Collection method: clinical testing. Allele origin: germline.
Comment: This variant is classified as likely benign based on ACMG/AMP sequence variant interpretation guidelines (Richards et al. 2015 PMID: 25741868, with internal and published modifications).